The following is an entry in ClinVar:

NM_001611.5(ACP5):c.46C>A (p.Pro16Thr)

Gene: ACP5 (acid phosphatase 5, tartrate resistant; minus strand). Cytogenetic location: 19p13.2.
Variant type: single nucleotide variant.
Coding change: c.46C>A on transcript NM_001611.5 (MANE Select); coding-DNA position 46, C replaced by A.
Protein change: p.Pro16Thr; replaces proline 16 with threonine.
Molecular consequence: missense variant.
Genome position (GRCh38, 1-based): chr19:11,577,272, G>T on the plus strand (C>A on the coding strand, the complement: ACP5 is on the minus strand). VCF-style: chr19-11577272-G-T. GRCh37 (hg19) VCF-style: chr19-11688087-G-T.
Other names: c.46C>A, p.Pro16Thr (NM_001111034.3, NM_001111035.3, NM_001111036.3 and 1 more transcripts); short protein forms P16T.
Identifiers: ClinVar variation 1469368 (VCV001469368.6), dbSNP rs2145093640, ClinGen allele CA404149550.

ClinVar aggregate classification (germline): Uncertain significance (1 of 4 stars; one submission).

Conditions:
Spondyloenchondrodysplasia with immune dysregulation (SPENCDI). Also called: COMBINED IMMUNODEFICIENCY WITH AUTOIMMUNITY AND SPONDYLOMETAPHYSEAL DYSPLASIA; ROIFMAN IMMUNOSKELETAL SYNDROME; SPONDYLOENCHONDRODYSPLASIA WITH OR WITHOUT IMMUNE DYSREGULATION. Identifiers: Orphanet 1855, MedGen C1842763, MONDO:0011939, OMIM 607944.

Allele frequency attached by ClinVar (database versions not stated): gnomAD exomes 0.00001.
gnomAD v4.1: 5 of 1,614,154 alleles (0.00031%); highest among the groups gnomAD compares: Non-Finnish European, 0.00042%; no homozygotes.

Submission:

Labcorp Genetics (formerly Invitae), Labcorp
Classification: Uncertain significance for Spondyloenchondrodysplasia with immune dysregulation. Last evaluated: 2021-11-01. Review status: criteria provided, single submitter. Criteria: Invitae Variant Classification Sherloc (09022015). Collection method: clinical testing. Allele origin: germline.
Comment: In summary, the available evidence is currently insufficient to determine the role of this variant in disease. Therefore, it has been classified as a Variant of Uncertain Significance. Algorithms developed to predict the effect of missense changes on protein structure and function are either unavailable or do not agree on the potential impact of this missense change (SIFT: "Not Available"; PolyPhen-2: "Benign"; Align-GVGD: "Not Available"). This variant has not been reported in the literature in individuals affected with ACP5-related conditions. This variant is not present in population databases (gnomAD no frequency). This sequence change replaces proline, which is neutral and non-polar, with threonine, which is neutral and polar, at codon 16 of the ACP5 protein (p.Pro16Thr).